The following is an entry in ClinVar:

NM_004519.4(KCNQ3):c.934-108G>A

Gene: KCNQ3 (potassium voltage-gated channel subfamily Q member 3; minus strand). Cytogenetic location: 8q24.22.
Variant type: single nucleotide variant.
Coding change: c.934-108G>A on transcript NM_004519.4 (MANE Select); 108 bases into the intron before coding-DNA position 934, G replaced by A.
Molecular consequence: intron variant.
Genome position (GRCh38, 1-based): chr8:132,174,457, C>T on the plus strand (G>A on the coding strand, the complement: KCNQ3 is on the minus strand). VCF-style: chr8-132174457-C-T. GRCh37 (hg19) VCF-style: chr8-133186704-C-T.
Other names: c.574-108G>A (NM_001204824.2).
Identifiers: ClinVar variation 675195 (VCV000675195.2), dbSNP rs17653902, ClinGen allele CA12933613.

ClinVar aggregate classification (germline): Benign. Review status: criteria provided, multiple submitters, no conflicts (2 of 4 stars). 2 submissions from 2 submitters: Benign (2). Last evaluated 2018-06-19.

Allele frequency attached by ClinVar (database versions not stated): 1000 Genomes Project 30x 0.02327; 1000 Genomes Project 0.02416; TOPMed 0.04347; gnomAD 0.05115 and 0.05304; gnomAD exomes 0.06059.
gnomAD v4.1: 48,514 of 827,964 alleles (5.9%); highest among the groups gnomAD compares: Non-Finnish European, 7.2%; 1,767 homozygotes.

Submissions (2):

GeneDx
Classification: Benign. Last evaluated: 2018-06-19. Review status: criteria provided, single submitter. Criteria: GeneDx Variant Classification (06012015). Collection method: clinical testing. Allele origin: germline. Affected: yes.
Comment: This variant is considered likely benign or benign based on one or more of the following criteria: it is a conservative change, it occurs at a poorly conserved position in the protein, it is predicted to be benign by multiple in silico algorithms, and/or has population frequency not consistent with disease.

Breakthrough Genomics
Classification: Benign. Review status: criteria provided, single submitter. Criteria: ACMG Guidelines, 2015. Collection method: not provided. Allele origin: germline. Inheritance: Autosomal dominant inheritance. Affected: yes.